The following is an entry in ClinVar:

ClinVar aggregate classification (germline): Pathogenic. Review status: criteria provided, multiple submitters, no conflicts (2 of 4 stars). 2 submissions from 2 submitters: Pathogenic (2). Last evaluated 2025-10-01.

Conditions:
Familial adenomatous polyposis 2. Also called: COLORECTAL ADENOMATOUS POLYPOSIS, AUTOSOMAL RECESSIVE; ADENOMAS, MULTIPLE COLORECTAL, AUTOSOMAL RECESSIVE; MYH-associated polyposis; FAP type 2; MUTYH-associated polyposis; MUTYH-related attenuated familial adenomatous polyposis. Identifiers: Orphanet 220460, Orphanet 247798, MedGen C3272841, MONDO:0012041, OMIM 608456.
Hereditary cancer-predisposing syndrome. Also called: Tumor predisposition; Hereditary Cancer Syndrome; Neoplastic Syndromes, Hereditary; Hereditary neoplastic syndrome. Identifiers: Orphanet 140162, MedGen C0027672, MeSH D009386, MONDO:0015356.

Submissions (2):

Labcorp Genetics (formerly Invitae), Labcorp
Classification: Pathogenic for Familial adenomatous polyposis 2. Last evaluated: 2025-10-01. Review status: criteria provided, single submitter. Criteria: Invitae Variant Classification Sherloc (09022015). Collection method: clinical testing. Allele origin: germline.
Comment: This sequence change creates a premature translational stop signal (p.Trp152*) in the MUTYH gene. It is expected to result in an absent or disrupted protein product. Loss-of-function variants in MUTYH are known to be pathogenic (PMID: 18534194, 20663686). This variant is not present in population databases (gnomAD no frequency). This variant has not been reported in the literature in individuals affected with MUTYH-related conditions. ClinVar contains an entry for this variant (Variation ID: 953438). Algorithms developed to predict the effect of sequence changes on RNA splicing suggest that this variant may disrupt the consensus splice site. For these reasons, this variant has been classified as Pathogenic.

Ambry Genetics
Classification: Pathogenic for Hereditary cancer-predisposing syndrome. Last evaluated: 2021-12-06. Review status: criteria provided, single submitter. Criteria: Ambry Variant Classification Scheme 2023. Collection method: clinical testing. Allele origin: germline.
Comment: The p.W152* pathogenic mutation (also known as c.455G>A), located in coding exon 5 of the MUTYH gene, results from a G to A substitution at nucleotide position 455. This changes the amino acid from a tryptophan to a stop codon within coding exon 5. This alteration is expected to result in loss of function by premature protein truncation or nonsense-mediated mRNA decay. As such, this alteration is interpreted as a disease-causing mutation.

Literature cited by the submitters: PubMed 18534194 (cited by Labcorp Genetics (formerly Invitae), Labcorp); PubMed 20663686 (cited by Labcorp Genetics (formerly Invitae), Labcorp).

NM_001048174.2(MUTYH):c.371G>A (p.Trp124Ter)

Gene: MUTYH (mutY DNA glycosylase; minus strand). Cytogenetic location: 1p34.1.
Variant type: single nucleotide variant.
Coding change: c.371G>A on transcript NM_001048174.2 (MANE Select); coding-DNA position 371, G replaced by A.
Protein change: p.Trp124Ter; replaces tryptophan 124 with a stop codon.
Molecular consequence: nonsense. On other transcripts: non-coding transcript variant (1), intron variant (2).
Genome position (GRCh38, 1-based): chr1:45,333,104, C>T on the plus strand (G>A on the coding strand, the complement: MUTYH is on the minus strand). VCF-style: chr1-45333104-C-T. GRCh37 (hg19) VCF-style: chr1-45798776-C-T.
Other names: c.371G>A, p.Trp124Ter (NM_001048171.2, NM_001048173.2, NM_001293195.2); c.374G>A, p.Trp125Ter (NM_001048172.2); c.455G>A, p.Trp152Ter (NM_001128425.2); c.416G>A, p.Trp139Ter (NM_001293190.2); c.404G>A, p.Trp135Ter (NM_001293191.2); c.95G>A, p.Trp32Ter (NM_001293192.2, NM_001293196.2); c.446G>A, p.Trp149Ter (NM_012222.3); c.34-145G>A (NM_001350651.2, NM_001350650.2); short protein forms W135*, W125*, W149*, W32*, W124*, W139*, W152*.
Identifiers: ClinVar variation 953438 (VCV000953438.10), dbSNP rs1645261795, ClinGen allele CA340136078.